The following is an entry in ClinVar:

ClinVar aggregate classification (germline): Conflicting classifications of pathogenicity. Review status: criteria provided, conflicting classifications (1 of 4 stars). 3 submissions from 3 submitters: Uncertain significance (2); Likely benign (1). Last evaluated 2026-01-20.

Conditions:
Hypertrophic cardiomyopathy 20. Identifiers: MedGen C3151267, MONDO:0013477, OMIM 613876.
Dilated cardiomyopathy 1CC (CMD1CC). Identifiers: Orphanet 154, MedGen C2751084, MONDO:0013147, OMIM 613122.
Cardiovascular phenotype. Identifiers: MedGen CN230736.

Allele frequency attached by ClinVar (database versions not stated): ExAC 0.00007; gnomAD exomes 0.00001; gnomAD 0.00003.
gnomAD v4.1: 19 of 1,613,788 alleles (0.0012%); highest among the groups gnomAD compares: Admixed American, 0.032%; no homozygotes.

Submissions (3):

Labcorp Genetics (formerly Invitae), Labcorp
Classification: Uncertain significance for Dilated cardiomyopathy 1CC; Hypertrophic cardiomyopathy 20. Last evaluated: 2026-01-20. Review status: criteria provided, single submitter. Criteria: Invitae Variant Classification Sherloc (09022015). Collection method: clinical testing. Allele origin: germline.
Comment: This sequence change replaces tyrosine, which is neutral and polar, with asparagine, which is neutral and polar, at codon 212 of the NEXN protein (p.Tyr212Asn). This variant is present in population databases (rs769549962, gnomAD 0.04%). This variant has not been reported in the literature in individuals affected with NEXN-related conditions. ClinVar contains an entry for this variant (Variation ID: 263611). Invitae Evidence Modeling of protein sequence and biophysical properties (such as structural, functional, and spatial information, amino acid conservation, physicochemical variation, residue mobility, and thermodynamic stability) indicates that this missense variant is not expected to disrupt NEXN protein function with a negative predictive value of 80%. In summary, the available evidence is currently insufficient to determine the role of this variant in disease. Therefore, it has been classified as a Variant of Uncertain Significance.

Women's Health and Genetics/Laboratory Corporation of America, LabCorp
Classification: Likely benign. Last evaluated: 2023-08-19. Review status: criteria provided, single submitter. Criteria: LabCorp Variant Classification Summary - May 2015. Collection method: clinical testing. Allele origin: germline.

Ambry Genetics
Classification: Uncertain significance for Cardiovascular phenotype. Last evaluated: 2013-05-28. Review status: criteria provided, single submitter. Criteria: Ambry Autosomal Dominant and X-Linked criteria (10/2015). Collection method: clinical testing. Allele origin: germline. Observed: 1 variant allele.
Comment: There is insufficient or conflicting evidence for classification of this alteration.

NM_144573.4(NEXN):c.634T>A (p.Tyr212Asn)

Gene: NEXN (nexilin F-actin binding protein; plus strand). Cytogenetic location: 1p31.1.
Variant type: single nucleotide variant.
Coding change: c.634T>A on transcript NM_144573.4 (MANE Select); coding-DNA position 634, T replaced by A.
Protein change: p.Tyr212Asn; replaces tyrosine 212 with asparagine.
Molecular consequence: missense variant.
Genome position (GRCh38, 1-based): chr1:77,926,558, T>A. VCF-style: chr1-77926558-T-A. GRCh37 (hg19) VCF-style: chr1-78392243-T-A.
Other names: c.442T>A, p.Tyr148Asn (NM_001172309.2); short protein forms Y212N, Y148N.
Identifiers: ClinVar variation 263611 (VCV000263611.9), dbSNP rs769549962, ClinGen allele CA918692.
Genomic context (GRCh38, chr1:77,926,558, plus strand): 5'-CTAGAAAAAGAACGTGAAGAGAAAGAAAGGATCAAGTACGAGGAAGATAAAAGAATAAGA[T>A]ATGAAGAACAACGACCATCTCTCAAGGAAGCAAAGTGTCTTTCATTAGTTATGGTAAATT-3'
Protein context (NP_653174.3, residues 202-222): IKYEEDKRIR[Tyr212Asn]EEQRPSLKEA